The following is an entry in ClinVar:

ClinVar aggregate classification (germline): Uncertain significance (1 of 4 stars; one submission).

Allele frequency attached by ClinVar (database versions not stated): gnomAD 0.00001; gnomAD exomes 0.00001 and 0.00002; ExAC 0.00002.

Submission:

Labcorp Genetics (formerly Invitae), Labcorp
Classification: Uncertain significance. Last evaluated: 2024-01-14. Review status: criteria provided, single submitter. Criteria: Invitae Variant Classification Sherloc (09022015). Collection method: clinical testing. Allele origin: germline.
Comment: This sequence change replaces arginine, which is basic and polar, with tryptophan, which is neutral and slightly polar, at codon 688 of the TAOK2 protein (p.Arg688Trp). This variant is present in population databases (rs753394748, gnomAD 0.007%). This variant has not been reported in the literature in individuals affected with TAOK2-related conditions. ClinVar contains an entry for this variant (Variation ID: 1385293). An algorithm developed to predict the effect of missense changes on protein structure and function (PolyPhen-2) suggests that this variant is likely to be disruptive. In summary, the available evidence is currently insufficient to determine the role of this variant in disease. Therefore, it has been classified as a Variant of Uncertain Significance.

NM_016151.4(TAOK2):c.2062C>T (p.Arg688Trp)

Gene: TAOK2 (TAO kinase 2; plus strand). Cytogenetic location: 16p11.2.
Variant type: single nucleotide variant.
Coding change: c.2062C>T on transcript NM_016151.4 (MANE Select); coding-DNA position 2062, C replaced by T.
Protein change: p.Arg688Trp; replaces arginine 688 with tryptophan.
Molecular consequence: missense variant.
Genome position (GRCh38, 1-based): chr16:29,986,334, C>T. VCF-style: chr16-29986334-C-T. GRCh37 (hg19) VCF-style: chr16-29997655-C-T.
Other names: c.2062C>T, p.Arg688Trp (NM_001252043.2, NM_004783.4); short protein forms R688W.
Identifiers: ClinVar variation 1385293 (VCV001385293.6), dbSNP rs753394748, ClinGen allele CA7998302.